The following is an entry in ClinVar:

NM_001127178.3(PIGG):c.56G>A (p.Gly19Glu)

Gene: PIGG (phosphatidylinositol glycan anchor biosynthesis class G (EMM blood group); plus strand). Cytogenetic location: 4p16.3.
Variant type: single nucleotide variant.
Coding change: c.56G>A on transcript NM_001127178.3 (MANE Select); coding-DNA position 56, G replaced by A.
Protein change: p.Gly19Glu; replaces glycine 19 with glutamic acid.
Molecular consequence: missense variant. On other transcripts: 5 prime UTR variant (9), non-coding transcript variant (10), intron variant (1).
Genome position (GRCh38, 1-based): chr4:499,391, G>A. VCF-style: chr4-499391-G-A. GRCh37 (hg19) VCF-style: chr4-493180-G-A.
Other names: c.56G>A, p.Gly19Glu (NM_001289052.2, NM_001345989.2, NM_017733.5); c.-770G>A (NM_001289053.2); c.-381G>A (NM_001289055.2); c.-448G>A (NM_001289057.2, NM_001345986.2, NM_001345987.2); c.-1068G>A (NM_001345988.2); c.-1570G>A (NM_001345990.2); c.-1668G>A (NM_001345991.2); c.-1393G>A (NM_001345994.2); and 1 more; short protein forms G19E.
Identifiers: ClinVar variation 1700736 (VCV001700736.3), dbSNP rs2108736843, ClinGen allele CA355888561.

ClinVar aggregate classification (germline): Uncertain significance. Review status: criteria provided, multiple submitters, no conflicts (2 of 4 stars). 2 submissions from 2 submitters: Uncertain significance (2). Last evaluated 2024-10-09.

Allele frequency attached by ClinVar (database versions not stated): gnomAD exomes below 0.00001.
gnomAD v4.1: 6 of 1,610,156 alleles (0.00037%); highest among the groups gnomAD compares: Admixed American, 0.0017%; no homozygotes.

Submissions (2):

Women's Health and Genetics/Laboratory Corporation of America, LabCorp
Classification: Uncertain significance. Last evaluated: 2024-10-09. Review status: criteria provided, single submitter. Criteria: LabCorp Variant Classification Summary - May 2015. Collection method: clinical testing. Allele origin: germline.
Comment: Variant summary: PIGG c.56G>A (p.Gly19Glu) results in a non-conservative amino acid change in the encoded protein sequence. Three of four in-silico tools predict a damaging effect of the variant on protein function. The variant was absent in 245066 control chromosomes (gnomAD). The available data on variant occurrences in the general population are insufficient to allow any conclusion about variant significance. To our knowledge, no occurrence of c.56G>A in individuals affected with Intellectual Disability, Autosomal Recessive 53 and no experimental evidence demonstrating its impact on protein function have been reported. ClinVar contains an entry for this variant (Variation ID: 1700736). Based on the evidence outlined above, the variant was classified as uncertain significance.

GeneDx
Classification: Uncertain significance. Last evaluated: 2022-02-10. Review status: criteria provided, single submitter. Criteria: GeneDx Variant Classification Process June 2021. Collection method: clinical testing. Allele origin: germline. Affected: yes.
Comment: Not observed at significant frequency in large population cohorts (gnomAD); In silico analysis supports that this missense variant has a deleterious effect on protein structure/function; Has not been previously published as pathogenic or benign to our knowledge